The following is an entry in ClinVar:

NC_000009.12:g.35657952C>T

Gene: RMRP (RNA component of mitochondrial RNA processing endoribonuclease; minus strand). Cytogenetic location: 9p13.3.
Variant type: single nucleotide variant.
Genome position: GRCh38 VCF-style: chr9-35657952-C-T. GRCh37 (hg19) VCF-style: chr9-35657949-C-T.
Identifiers: ClinVar variation 649516 (VCV000649516.6), dbSNP rs1235939791, ClinGen allele CA464450889.

ClinVar aggregate classification (germline): Uncertain significance (1 of 4 stars; one submission).

Conditions:
Anauxetic dysplasia. Identifiers: Orphanet 93347, MedGen C1846796, MONDO:0011773.

Allele frequency attached by ClinVar (database versions not stated): gnomAD exomes below 0.00001; TOPMed 0.00002.
gnomAD v4.1: 3 of 700,320 alleles (0.00043%); highest among the groups gnomAD compares: East Asian, 0.0027%; no homozygotes.

Submission:

Labcorp Genetics (formerly Invitae), Labcorp
Classification: Uncertain significance for Anauxetic dysplasia. Last evaluated: 2021-08-27. Review status: criteria provided, single submitter. Criteria: Invitae Variant Classification Sherloc (09022015). Collection method: clinical testing. Allele origin: germline.
Comment: This variant occurs in the RMRP gene, which encodes an RNA molecule that does not result in a protein product. The frequency data for this variant in the population databases is considered unreliable, as metrics indicate insufficient coverage at this position in the ExAC database. This variant has not been reported in the literature in individuals affected with RMRP-related conditions. ClinVar contains an entry for this variant (Variation ID: 649516). Experimental studies and prediction algorithms are not available or were not evaluated, and the functional significance of this variant is currently unknown. In summary, the available evidence is currently insufficient to determine the role of this variant in disease. Therefore, it has been classified as a Variant of Uncertain Significance.